The following is an entry in ClinVar:

ClinVar aggregate classification (germline): Likely pathogenic (1 of 4 stars; one submission).

Conditions:
Attenuated familial adenomatous polyposis (AFAP). Also called: Attenuated FAP. Identifiers: Orphanet 220460, MedGen C2674616, MONDO:0016362.

Submission:

Clinical Genetics Laboratory, Skane University Hospital Lund
Classification: Likely pathogenic for Attenuated familial adenomatous polyposis. Last evaluated: 2026-10-30. Review status: criteria provided, single submitter. Criteria: ACMG Guidelines, 2015. Collection method: clinical testing. Allele origin: germline. Inheritance: Autosomal dominant inheritance. Affected: yes.
Comment: APC (NM_000038.6) c.6507del, p.(Lys2169Asnfs*13) is a single-base-pair deletion in exon 16 of 16, resulting in a frameshift, a premature stop codon, and consequently a truncated protein or loss of protein expression from the affected allele. The APC c.6507del variant has not been identified in the general population and has not previously been reported in ClinVar. The variant has been classified as likely pathogenic according to the following gene-specific criteria (ClinGen InSiGHT Hereditary Colorectal Cancer/Polyposis Expert Panel Specifications to the ACMG/AMP Variant Interpretation Guidelines for APC, Version 2.1): PVS1 and PM2_Supporting.

NM_000038.6(APC):c.6507del (p.Lys2169fs)

Gene: APC (APC regulator of Wnt signaling pathway; plus strand). Cytogenetic location: 5q22.2.
Variant type: Deletion.
Coding change: c.6507del on transcript NM_000038.6 (MANE Select); coding-DNA position 6507, one base deleted (A; older notation c.6507delA).
Protein change: p.Lys2169fs; shifts the reading frame from lysine 2169.
Molecular consequence: frameshift variant. On other transcripts: non-coding transcript variant (2).
Genome position (GRCh38, 1-based): chr5:112,842,101, A deleted; the last of 4 consecutive A bases (chr5:112,842,098-112,842,101); deleting any one gives the same sequence. VCF-style (leftmost placement, unchanged base first): chr5-112842097-TA-T. GRCh37 (hg19) VCF-style: chr5-112177794-TA-T.
Other names: c.6507del, p.Lys2169fs (NM_001127510.3, NM_001354895.2, NM_001407450.1); c.6204del, p.Lys2068fs (NM_001354903.2, NM_001407460.1, NM_001407458.1 and 1 more transcripts); c.6129del, p.Lys2043fs (NM_001354904.2); c.6027del, p.Lys2009fs (NM_001354905.2); c.5658del, p.Lys1886fs (NM_001354906.2, NM_001407470.1); c.6591del, p.Lys2197fs (NM_001407446.1); c.6561del, p.Lys2187fs (NM_001407447.1, NM_001407448.1, NM_001407449.1 and 1 more transcripts); c.6120del, p.Lys2040fs (NM_001407467.1, NM_001407469.1); and 11 more; short protein forms K1785fs, K1886fs, K2009fs, K2040fs, K2043fs, K2068fs, K2078fs, K2086fs.
Identifiers: ClinVar variation 5038035 (VCV005038035.1).